The following is an entry in ClinVar:

ClinVar aggregate classification (germline): Likely benign. Review status: criteria provided, multiple submitters, no conflicts (2 of 4 stars). 2 submissions from 2 submitters: Likely benign (2). Last evaluated 2018-06-16.

Allele frequency attached by ClinVar (database versions not stated): 1000 Genomes Project 0.01018; gnomAD 0.00966 and 0.01020; TOPMed 0.01088; 1000 Genomes Project 30x 0.01249.
gnomAD v4.1: 1,937 of 574,882 alleles (0.34%); highest among the groups gnomAD compares: African/African-American, 3.3%; 31 homozygotes.

Submissions (2):

GeneDx
Classification: Likely benign. Last evaluated: 2018-06-16. Review status: criteria provided, single submitter. Criteria: GeneDx Variant Classification (06012015). Collection method: clinical testing. Allele origin: germline. Affected: yes.
Comment: This variant is considered likely benign or benign based on one or more of the following criteria: it is a conservative change, it occurs at a poorly conserved position in the protein, it is predicted to be benign by multiple in silico algorithms, and/or has population frequency not consistent with disease.

Breakthrough Genomics
Classification: Likely benign. Review status: criteria provided, single submitter. Criteria: ACMG Guidelines, 2015. Collection method: not provided. Allele origin: germline. Inheritance: Autosomal recessive inheritance. Affected: yes.

NM_014908.3(DOLK):c.-604T>C

Genes: DOLK (dolichol kinase; minus strand), NUP188 (nucleoporin 188; plus strand). Cytogenetic location: 9q34.11.
Variant type: single nucleotide variant.
Coding change: c.-604T>C on transcript NM_014908.3; 604 bases upstream of the start codon, T replaced by C.
Molecular consequence: intron variant (on NM_015354.3).
Genome position (GRCh38, 1-based): chr9:128,947,907, A>G on the plus strand (T>C on the coding strand, the complement: DOLK is on the minus strand). VCF-style: chr9-128947907-A-G. GRCh37 (hg19) VCF-style: chr9-131710186-A-G.
Other names: c.32+156A>G (NM_015354.3).
Identifiers: ClinVar variation 673511 (VCV000673511.4), dbSNP rs145072749, ClinGen allele CA200446399.